The following is an entry in ClinVar:

NM_007294.4(BRCA1):c.217C>T (p.Leu73=)

Gene: BRCA1 (BRCA1 DNA repair associated; minus strand). Cytogenetic location: 17q21.31.
Variant type: single nucleotide variant.
Coding change: c.217C>T on transcript NM_007294.4 (MANE Select); coding-DNA position 217, C replaced by T.
Protein change: p.Leu73=; no amino-acid change (leucine 73 retained).
Molecular consequence: synonymous variant. On other transcripts: 5 prime UTR variant (7), intron variant (2).
Genome position (GRCh38, 1-based): chr17:43,104,952, G>A on the plus strand (C>T on the coding strand, the complement: BRCA1 is on the minus strand). VCF-style: chr17-43104952-G-A. GRCh37 (hg19) VCF-style: chr17-41256969-G-A.
Other names: c.7C>T, p.Leu3= (NM_001407571.1, NM_001407853.1, NM_001407879.1 and 58 more transcripts); c.217C>T, p.Leu73= (NM_001407581.1, NM_001407582.1, NM_001407583.1 and 168 more transcripts); c.139C>T, p.Leu47= (NM_001407653.1, NM_001407654.1, NM_001407655.1 and 21 more transcripts); c.76C>T, p.Leu26= (NM_001407692.1, NM_001407694.1, NM_001407695.1 and 99 more transcripts); c.-165C>T (NM_001407959.1, NM_001407960.1, NM_001407962.1 and 4 more transcripts); c.85C>T, p.Leu29= (NM_001408451.1); c.-218-10092C>T (NM_001407967.1, NM_001407966.1).
Identifiers: ClinVar variation 183982 (VCV000183982.26), dbSNP rs786201203, ClinGen allele CA001456.

ClinVar aggregate classification (germline): Likely benign. Review status: reviewed by expert panel (3 of 4 stars). 6 submissions from 6 submitters: Likely benign (1). 5 of the submissions do not count toward it. Last evaluated 2017-06-29.

Conditions:
Hereditary breast ovarian cancer syndrome. Also called: Hereditary breast and ovarian cancer syndrome; Hereditary breast and ovarian cancer syndrome (HBOC); BRCA1- and BRCA2-Associated Hereditary Breast and Ovarian Cancer; Breast and ovarian cancer; Hereditary breast and ovarian cancer; Hereditary breast and/or ovarian cancer syndrome. Identifiers: Orphanet 145, MedGen C0677776, MeSH D061325, MONDO:0003582. Disease mechanism: loss of function.
Hereditary cancer-predisposing syndrome. Also called: Hereditary Cancer Syndrome; Hereditary neoplastic syndrome; Tumor predisposition; Neoplastic Syndromes, Hereditary. Identifiers: Orphanet 140162, MedGen C0027672, MeSH D009386, MONDO:0015356.
Breast-ovarian cancer, familial, susceptibility to, 1 (BROVCA1). Also called: OVARIAN CANCER, SUSCEPTIBILITY TO; BRCA1 Hereditary Breast and Ovarian Cancer. Identifiers: Orphanet 145, MedGen C2676676, MONDO:0011450, OMIM 604370. Disease mechanism: loss of function.

Allele frequency attached by ClinVar (database versions not stated): gnomAD exomes below 0.00001.
gnomAD v4.1: 1 of 1,613,034 alleles (0.000062%); highest among the groups gnomAD compares: Non-Finnish European, 0.000085%; no homozygotes.

Submissions (7):

Evidence-based Network for the Interpretation of Germline Mutant Alleles (ENIGMA)
Classification: Likely benign for Breast-ovarian cancer, familial, susceptibility to, 1. Last evaluated: 2017-06-29. Review status: reviewed by expert panel. Criteria: ENIGMA BRCA1/2 Classification Criteria (2017-06-29). Collection method: curation. Allele origin: germline.
Comment: Synonymous substitution variant, with low bioinformatic likelihood to result in a splicing aberration (Splicing prior probability 0.02).

Women's Health and Genetics/Laboratory Corporation of America, LabCorp
Classification: Likely benign. Last evaluated: 2025-07-02. Review status: criteria provided, single submitter. Criteria: LabCorp Variant Classification Summary - May 2015. Collection method: clinical testing. Allele origin: germline. Not counted in ClinVar's aggregate classification.

Labcorp Genetics (formerly Invitae), Labcorp
Classification: Likely benign for Hereditary breast ovarian cancer syndrome. Last evaluated: 2025-01-17. Review status: criteria provided, single submitter. Criteria: Invitae Variant Classification Sherloc (09022015). Collection method: clinical testing. Allele origin: germline. Not counted in ClinVar's aggregate classification.

All of Us Research Program, National Institutes of Health
Classification: Likely benign for Breast-ovarian cancer, familial, susceptibility to, 1. Last evaluated: 2023-02-24. Review status: criteria provided, single submitter. Criteria: ACMG Guidelines, 2015. Collection method: clinical testing. Allele origin: germline. Inheritance: Autosomal dominant inheritance. Observed: 1 variant allele, 1 heterozygote. Not counted in ClinVar's aggregate classification.
Comment: This study involves interpretation of variants in research participants for the purpose of population health screening. Participant phenotype was not available at the time of variant classification. Additional details can be found in publication PMID: 35346344, PMCID: PMC8962531

Color Diagnostics, LLC DBA Color Health
Classification: Likely benign for Hereditary cancer-predisposing syndrome. Last evaluated: 2019-05-15. Review status: criteria provided, single submitter. Criteria: ACMG Guidelines, 2015. Collection method: clinical testing. Allele origin: germline. Not counted in ClinVar's aggregate classification.

Ambry Genetics
Classification: Likely benign for Hereditary cancer-predisposing syndrome. Last evaluated: 2014-09-26. Review status: criteria provided, single submitter. Criteria: Ambry Variant Classification Scheme 2023. Collection method: clinical testing. Allele origin: germline. Not counted in ClinVar's aggregate classification.

Brotman Baty Institute, University of Washington
No classification provided (evidence only). Condition: Breast-ovarian cancer, familial 1. Review status: no classification provided. Collection method: in vitro. Allele origin: not applicable. Functional consequence: functionally_normal. Not counted in ClinVar's aggregate classification.
ClinVar note: "not provided" was previously submitted as the classification for the variant. However, the classification appeared to be based only on an observation of functional data so it was converted to no classification on 2025-07-30.